The following is an entry in ClinVar:

ClinVar aggregate classification (germline): Likely pathogenic (1 of 4 stars; one submission).

Submission:

GeneDx
Classification: Likely pathogenic. Last evaluated: 2022-12-07. Review status: criteria provided, single submitter. Criteria: GeneDx Variant Classification Process June 2021. Collection method: clinical testing. Allele origin: germline. Affected: yes.
Comment: Frameshift variant predicted to result in protein truncation, as the last 151 amino acids are replaced with 16 different amino acids, and other loss-of-function variants have been reported downstream in HGMD; Not observed at significant frequency in large population cohorts (gnomAD); This variant is associated with the following publications: (PMID: 33598457)

NM_000554.6(CRX):c.445_467del (p.Pro149fs)

Gene: CRX (cone-rod homeobox; plus strand). Cytogenetic location: 19q13.33.
Variant type: Deletion.
Coding change: c.445_467del on transcript NM_000554.6 (MANE Select); coding-DNA positions 445 to 467, 23 bases deleted (CCCTCAGGCTCCCCAACCACGGC).
Protein change: p.Pro149fs; shifts the reading frame from proline 149.
Molecular consequence: frameshift variant.
Genome position (GRCh38, 1-based): chr19:47,839,512-47,839,534, CCCTCAGGCTCCCCAACCACGGC deleted; deleting any 23 consecutive bases within chr19:47,839,508-47,839,534 gives the same sequence; the c. name uses the placement nearest the transcript's 3' end. VCF-style (leftmost placement, unchanged base first): chr19-47839507-CCGGCCCCTCAGGCTCCCCAACCA-C. GRCh37 (hg19) VCF-style: chr19-48342764-CCGGCCCCTCAGGCTCCCCAACCA-C.
Other names: short protein forms P149fs.
Identifiers: ClinVar variation 2504996 (VCV002504996.1), dbSNP rs2514255981, ClinGen allele CA2573332280.